The following is an entry in ClinVar:

ClinVar aggregate classification (germline): Uncertain significance (1 of 4 stars; one submission).

Conditions:
FG syndrome (FGS). Identifiers: MedGen C0220769, MONDO:0002010.

Submission:

Labcorp Genetics (formerly Invitae), Labcorp
Classification: Uncertain significance for FG syndrome. Last evaluated: 2021-09-04. Review status: criteria provided, single submitter. Criteria: Invitae Variant Classification Sherloc (09022015). Collection method: clinical testing. Allele origin: germline.
Comment: In summary, the available evidence is currently insufficient to determine the role of this variant in disease. Therefore, it has been classified as a Variant of Uncertain Significance. Experimental studies and prediction algorithms are not available or were not evaluated, and the functional significance of this variant is currently unknown. This variant has not been reported in the literature in individuals affected with MED12-related conditions. The frequency data for this variant in the population databases is considered unreliable, as metrics indicate poor data quality at this position in the ExAC database. This variant, c.6165_6167del, results in the deletion of 1 amino acid(s) of the MED12 protein (p.Gln2076del), but otherwise preserves the integrity of the reading frame.

NM_005120.3(MED12):c.6150GCA[5] (p.Gln2076del)

Gene: MED12 (mediator complex subunit 12; plus strand). Cytogenetic location: Xq13.1.
Variant type: Microsatellite.
Coding change: c.6150GCA[5] on transcript NM_005120.3 (MANE Select); five copies in a row of the 3-base unit GCA starting at c.6150; the reference has six copies in a row; one copy, 3 bases deleted.
Protein change: p.Gln2076del; deletes glutamine 2076.
Molecular consequence: inframe deletion.
Genome position (GRCh38, 1-based): chrX:71,140,755-71,140,757, GCA deleted; deleting any 3 consecutive bases within chrX:71,140,739-71,140,757 gives the same sequence; the position shown is the placement nearest the transcript's 3' end. VCF-style (leftmost placement, unchanged base first): chrX-71140738-GAGC-G. GRCh37 (hg19) VCF-style: chrX-70360588-GAGC-G.
Other names: short protein forms Q2076del.
Identifiers: ClinVar variation 1421618 (VCV001421618.6), dbSNP rs769857818, ClinGen allele CA10444878.